The following is an entry in ClinVar:

NM_001360016.2(G6PD):c.332A>G (p.Gln111Arg)

Gene: G6PD (glucose-6-phosphate dehydrogenase; minus strand). Cytogenetic location: Xq28.
Variant type: single nucleotide variant.
Coding change: c.332A>G on transcript NM_001360016.2 (MANE Select); coding-DNA position 332, A replaced by G.
Protein change: p.Gln111Arg; replaces glutamine 111 with arginine.
Molecular consequence: missense variant.
Genome position (GRCh38, 1-based): chrX:154,535,321, T>C on the plus strand (A>G on the coding strand, the complement: G6PD is on the minus strand). VCF-style: chrX-154535321-T-C. GRCh37 (hg19) VCF-style: chrX-153763536-T-C.
Other names: c.422A>G, p.Gln141Arg (NM_000402.4); c.332A>G, p.Gln111Arg (NM_001042351.3); short protein forms Q111R, Q141R.
Identifiers: ClinVar variation 2890522 (VCV002890522.4), dbSNP rs1435174977, ClinGen allele CA415238967.

ClinVar aggregate classification (germline): Uncertain significance (1 of 4 stars; one submission).

Conditions:
Anemia, nonspherocytic hemolytic, due to G6PD deficiency (CNSHA1). Also called: ANEMIA, CONGENITAL, NONSPHEROCYTIC HEMOLYTIC, 1; Hemolytic anemia due to G6PD deficiency; Class I glucose-6-phosphate dehydrogenase deficiency; Favism, susceptibility to. Identifiers: Orphanet 466026, MedGen C2720289, MONDO:0010480, OMIM 300908.

Allele frequency attached by ClinVar (database versions not stated): TOPMed 0.00003; gnomAD 0.00004.

Submissions (2):

Labcorp Genetics (formerly Invitae), Labcorp
Classification: Uncertain significance for Anemia, nonspherocytic hemolytic, due to G6PD deficiency. Last evaluated: 2023-01-10. Review status: criteria provided, single submitter. Criteria: Invitae Variant Classification Sherloc (09022015). Collection method: clinical testing. Allele origin: germline.
Comment: This sequence change replaces glutamine, which is neutral and polar, with arginine, which is basic and polar, at codon 111 of the G6PD protein (p.Gln111Arg). This variant is present in population databases (no rsID available, gnomAD 0.002%). This variant has not been reported in the literature in individuals affected with G6PD-related conditions. Algorithms developed to predict the effect of missense changes on protein structure and function (SIFT, PolyPhen-2, Align-GVGD) all suggest that this variant is likely to be tolerated. In summary, the available evidence is currently insufficient to determine the role of this variant in disease. Therefore, it has been classified as a Variant of Uncertain Significance.

Dr. Peter K. Rogan Lab, Western University
No classification provided (evidence only). Condition: Nonpapillary renal cell carcinoma. Review status: no classification provided. Collection method: in vitro. Allele origin: not applicable. Functional consequence: retained intron. Not counted in ClinVar's aggregate classification.